The following is an entry in ClinVar:

NM_000540.3(RYR1):c.9083G>C (p.Gly3028Ala)

Gene: RYR1 (ryanodine receptor 1; plus strand). Cytogenetic location: 19q13.2.
Variant type: single nucleotide variant.
Coding change: c.9083G>C on transcript NM_000540.3 (MANE Select); coding-DNA position 9083, G replaced by C.
Protein change: p.Gly3028Ala; replaces glycine 3028 with alanine.
Molecular consequence: missense variant.
Genome position (GRCh38, 1-based): chr19:38,510,742, G>C. VCF-style: chr19-38510742-G-C. GRCh37 (hg19) VCF-style: chr19-39001382-G-C.
Other names: c.9083G>C, p.Gly3028Ala (NM_001042723.2); short protein forms G3028A.
Identifiers: ClinVar variation 3073780 (VCV003073780.2), dbSNP rs2514395308, ClinGen allele CA405683869.
Genomic context (GRCh38, chr19:38,510,742, plus strand): 5'-AGTACTTCACCAACCACTGCCTCTATTTCTTGTCCACTCCGGCTAAAGTGCTGGGCAGCG[G>C]TGGCCACGCCTCTAACAAGGAGAAGGAAATGATCACCAGGTGGGCCGCCTGTGACCCTGG-3'
Protein context (NP_000531.2, residues 3018-3038): LSTPAKVLGS[Gly3028Ala]GHASNKEKEM

ClinVar aggregate classification (germline): Uncertain significance. Review status: criteria provided, multiple submitters, no conflicts (2 of 4 stars). 2 submissions from 2 submitters: Uncertain significance (2). Last evaluated 2025-10-12.

Conditions:
Malignant hyperthermia, susceptibility to, 1 (MHS1). Also called: Anesthesia related hyperthermia; Malignant hyperpyrexia; Fulminating hyperpyrexia; Pharmacogenic myopathy; RYR1-Related Malignant Hyperthermia Susceptibility; Malignant hyperthermia suceptibility 1. Identifiers: Orphanet 423, MedGen C2930980, MONDO:0007783, OMIM 145600.

Submissions (2):

Color Diagnostics, LLC DBA Color Health
Classification: Uncertain significance for Malignant hyperthermia, susceptibility to, 1. Last evaluated: 2025-10-12. Review status: criteria provided, single submitter. Criteria: ACMG Guidelines, 2015. Collection method: clinical testing. Allele origin: germline.
Comment: This missense variant replaces glycine with alanine at codon 3028 of the RYR1 protein. Computational prediction suggests that this variant may not impact protein structure and function. To our knowledge, functional studies have not been reported for this variant. This variant has not been reported in individuals affected with RYR1-related disorders in the literature. This variant has not been identified in the general population by the Genome Aggregation Database (gnomAD). The available evidence is insufficient to determine the role of this variant in disease conclusively. Therefore, this variant is classified as a Variant of Uncertain Significance.

All of Us Research Program, National Institutes of Health
Classification: Uncertain significance for Malignant hyperthermia, susceptibility to, 1. Last evaluated: 2023-10-06. Review status: criteria provided, single submitter. Criteria: ACMG Guidelines, 2015. Collection method: clinical testing. Allele origin: germline. Inheritance: Autosomal dominant inheritance. Observed: 1 variant allele, 1 heterozygote.
Comment: This missense variant replaces glycine with alanine at codon 3028 of the RYR1 protein. Computational prediction suggests that this variant may not impact protein structure and function (internally defined REVEL score threshold <= 0.5, PMID: 27666373). To our knowledge, functional studies have not been reported for this variant. This variant has not been reported in individuals affected with RYR1-related disorders in the literature. This variant has not been identified in the general population by the Genome Aggregation Database (gnomAD). The available evidence is insufficient to determine the role of this variant in disease conclusively. Therefore, this variant is classified as a Variant of Uncertain Significance.

This study involves interpretation of variants in research participants for the purpose of population health screening. Participant phenotype was not available at the time of variant classification. Additional details can be found in publication PMID: 35346344, PMCID: PMC8962531